The following is an entry in ClinVar:

ClinVar aggregate classification (germline): Uncertain significance. Review status: criteria provided, multiple submitters, no conflicts (2 of 4 stars). 4 submissions from 4 submitters: Uncertain significance (4). Last evaluated 2026-02-01.

Conditions:
Hereditary cancer-predisposing syndrome. Also called: Hereditary Cancer Syndrome; Tumor predisposition; Neoplastic Syndromes, Hereditary; Hereditary neoplastic syndrome. Identifiers: Orphanet 140162, MedGen C0027672, MeSH D009386, MONDO:0015356.
Rhabdoid tumor predisposition syndrome 2 (RTPS2). Identifiers: Orphanet 231108, Orphanet 69077, MedGen C2750074, MONDO:0013224, OMIM 613325.

Allele frequency attached by ClinVar (database versions not stated): gnomAD exomes below 0.00001; TOPMed below 0.00001; gnomAD 0.00001.
gnomAD v4.1: 3 of 1,612,298 alleles (0.00019%); highest among the groups gnomAD compares: African/African-American, 0.0013%; no homozygotes.

Submissions (4):

CeGaT Center for Human Genetics Tuebingen
Classification: Uncertain significance. Last evaluated: 2026-02-01. Review status: criteria provided, single submitter. Criteria: CeGaT Center For Human Genetics Tuebingen Variant Classification Criteria Version 2. Collection method: clinical testing. Allele origin: germline. Affected: yes. Observed: 1 variant allele.
Comment: SMARCA4: PP2, PP3

Labcorp Genetics (formerly Invitae), Labcorp
Classification: Uncertain significance for Rhabdoid tumor predisposition syndrome 2. Last evaluated: 2025-12-01. Review status: criteria provided, single submitter. Criteria: Invitae Variant Classification Sherloc (09022015). Collection method: clinical testing. Allele origin: germline.
Comment: This sequence change replaces arginine, which is basic and polar, with cysteine, which is neutral and slightly polar, at codon 351 of the SMARCA4 protein (p.Arg351Cys). This variant is not present in population databases (gnomAD no frequency). This variant has not been reported in the literature in individuals affected with SMARCA4-related conditions. ClinVar contains an entry for this variant (Variation ID: 1374831). Invitae Evidence Modeling of protein sequence and biophysical properties (such as structural, functional, and spatial information, amino acid conservation, physicochemical variation, residue mobility, and thermodynamic stability) has been performed for this missense variant. However, the output from this modeling did not meet the statistical confidence thresholds required to predict the impact of this variant on SMARCA4 protein function. In summary, the available evidence is currently insufficient to determine the role of this variant in disease. Therefore, it has been classified as a Variant of Uncertain Significance.

Ambry Genetics
Classification: Uncertain significance for Hereditary cancer-predisposing syndrome. Last evaluated: 2025-09-08. Review status: criteria provided, single submitter. Criteria: Ambry Variant Classification Scheme 2023. Collection method: clinical testing. Allele origin: germline.
Comment: The p.R351C variant (also known as c.1051C>T), located in coding exon 5 of the SMARCA4 gene, results from a C to T substitution at nucleotide position 1051. The arginine at codon 351 is replaced by cysteine, an amino acid with highly dissimilar properties. This amino acid position is highly conserved in available vertebrate species. In addition, this alteration is predicted to be deleterious by in silico analysis. Based on the available evidence, the clinical significance of this variant remains unclear.

Quest Diagnostics Nichols Institute San Juan Capistrano
Classification: Uncertain significance. Last evaluated: 2025-07-20. Review status: criteria provided, single submitter. Criteria: Quest Diagnostics criteria. Collection method: clinical testing. Allele origin: unknown.
Comment: The SMARCA4 c.1051C>T (p.Arg351Cys) variant has not been reported in individuals with SMARCA4-related conditions in the published literature. The frequency of this variant in the general population (Genome Aggregation Database) is uninformative in the assessment of its pathogenicity. Analysis of this variant using bioinformatics tools for the prediction of the effect of amino acid changes on protein structure and function yielded predictions that this variant is damaging. Based on the available information, we are unable to determine the clinical significance of this variant.

NM_003072.5(SMARCA4):c.1051C>T (p.Arg351Cys)

Gene: SMARCA4 (SWI/SNF related BAF chromatin remodeling complex subunit ATPase 4; plus strand). Cytogenetic location: 19p13.2.
Variant type: single nucleotide variant.
Coding change: c.1051C>T on transcript NM_003072.5 (MANE Select); coding-DNA position 1051, C replaced by T.
Protein change: p.Arg351Cys; replaces arginine 351 with cysteine.
Molecular consequence: missense variant. On other transcripts: non-coding transcript variant (1).
Genome position (GRCh38, 1-based): chr19:10,987,857, C>T. VCF-style: chr19-10987857-C-T. GRCh37 (hg19) VCF-style: chr19-11098533-C-T.
Other names: c.1051C>T, p.Arg351Cys (NM_001128844.3, NM_001128845.2, NM_001128846.2 and 5 more transcripts); short protein forms R351C.
Identifiers: ClinVar variation 1374831 (VCV001374831.14), dbSNP rs2086199522, ClinGen allele CA404058714.